The following is an entry in ClinVar:

ClinVar aggregate classification (germline): Uncertain significance. Review status: criteria provided, multiple submitters, no conflicts (2 of 4 stars). 2 submissions from 2 submitters: Uncertain significance (2). Last evaluated 2026-04-20.

Conditions:
Hereditary cancer-predisposing syndrome. Also called: Tumor predisposition; Hereditary Cancer Syndrome; Neoplastic Syndromes, Hereditary; Hereditary neoplastic syndrome. Identifiers: Orphanet 140162, MedGen C0027672, MeSH D009386, MONDO:0015356.
Neurofibromatosis, type 2 (SWNV). Also called: NF2-Related Schwannomatosis; SCHWANNOMATOSIS, VESTIBULAR; BILATERAL ACOUSTIC NEUROFIBROMATOSIS. Identifiers: Orphanet 637, MedGen C0027832, MONDO:0007039, OMIM 101000. Disease mechanism: loss of function.

Submissions (2):

Ambry Genetics
Classification: Uncertain significance for Hereditary cancer-predisposing syndrome. Last evaluated: 2026-04-20. Review status: criteria provided, single submitter. Criteria: Ambry Variant Classification Scheme 2023. Collection method: clinical testing. Allele origin: germline.
Comment: The c.3_14del12 variant (also known as p.M1?) is located in coding exon 1 of the NF2 gene. This variant results from an in-frame GGCCGGGGCCAT deletion at nucleotide positions 3 to 14. This results in the in-frame deletion of a methionine at codon 1. This amino acid position is highly conserved in available vertebrate species. Sequence variations that modify the initiation codon are expected to result in either loss of translation initiation, N-terminal truncation, or cause a shift in the mRNA reading frame; however, there are multiple in-frame methionine residues downstream of the initiation site, which may result in N-terminal truncation of unknown functional significance. Since supporting evidence is limited at this time, the clinical significance of this alteration remains unclear.

Labcorp Genetics (formerly Invitae), Labcorp
Classification: Uncertain significance for Neurofibromatosis, type 2. Last evaluated: 2023-07-20. Review status: criteria provided, single submitter. Criteria: Invitae Variant Classification Sherloc (09022015). Collection method: clinical testing. Allele origin: germline.
Comment: In summary, the available evidence is currently insufficient to determine the role of this variant in disease. Therefore, it has been classified as a Variant of Uncertain Significance. Experimental studies and prediction algorithms are not available or were not evaluated, and the functional significance of this variant is currently unknown. ClinVar contains an entry for this variant (Variation ID: 566704). This variant has not been reported in the literature in individuals affected with NF2-related conditions. This sequence change affects the initiator methionine of the NF2 mRNA. The next in-frame methionine is located at codon 9. This variant is present in population databases (no rsID available, gnomAD 0.004%).

NM_000268.4(NF2):c.3_14del (p.Met1_Ala4del)

Gene: NF2 (NF2, moesin-ezrin-radixin like (MERLIN) tumor suppressor; plus strand). Cytogenetic location: 22q12.2.
Variant type: Deletion.
Coding change: c.3_14del on transcript NM_000268.4 (MANE Select); coding-DNA positions 3 to 14, 12 bases deleted (GGCCGGGGCCAT).
Protein change: p.Met1_Ala4del.
Molecular consequence: inframe deletion, initiator codon variant. On other transcripts: non-coding transcript variant (1).
Genome position (GRCh38, 1-based): chr22:29,604,001-29,604,012, GGCCGGGGCCAT deleted; deleting any 12 consecutive bases within chr22:29,603,996-29,604,012 gives the same sequence; the c. name uses the placement nearest the transcript's 3' end. VCF-style (leftmost placement, unchanged base first): chr22-29603995-CGCCATGGCCGGG-C. GRCh37 (hg19) VCF-style: chr22-29999984-CGCCATGGCCGGG-C.
Other names: c.3_14del, p.Met1_Ala4del (NM_016418.5, NM_181825.3, NM_181828.3 and 5 more transcripts); c.3_14del12 (NM_000268.3).
Identifiers: ClinVar variation 566704 (VCV000566704.13), dbSNP rs1351718417, ClinGen allele CA638989389.